The following is an entry in ClinVar:

NM_000441.2(SLC26A4):c.398C>G (p.Ser133Ter)

Gene: SLC26A4 (solute carrier family 26 member 4; plus strand). Cytogenetic location: 7q22.3.
Variant type: single nucleotide variant.
Coding change: c.398C>G on transcript NM_000441.2 (MANE Select); coding-DNA position 398, C replaced by G.
Protein change: p.Ser133Ter; replaces serine 133 with a stop codon.
Molecular consequence: nonsense.
Genome position (GRCh38, 1-based): chr7:107,672,231, C>G. VCF-style: chr7-107672231-C-G. GRCh37 (hg19) VCF-style: chr7-107312676-C-G.
Other names: short protein forms S133*.
Identifiers: ClinVar variation 2766489 (VCV002766489.3), dbSNP rs2129311271, ClinGen allele CA368847254.
Genomic context (GRCh38, chr7:107,672,231, plus strand): 5'-TCGGATATGGTCTCTACTCTGCTTTTTTCCCTATCCTGACATACTTTATCTTTGGAACAT[C>G]AAGACATATCTCAGTTGGTAATTATAAGTATATTTTACAATTATATTTGCTCATGTTTAA-3'

ClinVar aggregate classification (germline): Pathogenic (1 of 4 stars; one submission).

Submission:

Labcorp Genetics (formerly Invitae), Labcorp
Classification: Pathogenic. Last evaluated: 2023-10-06. Review status: criteria provided, single submitter. Criteria: Invitae Variant Classification Sherloc (09022015). Collection method: clinical testing. Allele origin: germline.
Comment: This sequence change creates a premature translational stop signal (p.Ser133*) in the SLC26A4 gene. It is expected to result in an absent or disrupted protein product. Loss-of-function variants in SLC26A4 are known to be pathogenic (PMID: 16283880, 25394566, 26252218, 26445815). This variant is not present in population databases (gnomAD no frequency). This premature translational stop signal has been observed in individual(s) with SLC26A4-related conditions (PMID: 15355436, 24224479). For these reasons, this variant has been classified as Pathogenic.

Literature cited by the submitters: PubMed 16283880; PubMed 25394566; PubMed 26252218; PubMed 26445815; PubMed 15355436; PubMed 24224479.